The following is an entry in ClinVar:

NM_003242.6(TGFBR2):c.94+16256C>T

Gene: TGFBR2 (transforming growth factor beta receptor 2; plus strand). Cytogenetic location: 3p24.1.
Variant type: single nucleotide variant.
Coding change: c.94+16256C>T on transcript NM_003242.6 (MANE Select); 16256 bases into the intron after coding-DNA position 94, C replaced by T.
Molecular consequence: intron variant. On other transcripts: synonymous variant (5), 5 prime UTR variant (2).
Genome position (GRCh38, 1-based): chr3:30,623,233, C>T. VCF-style: chr3-30623233-C-T. GRCh37 (hg19) VCF-style: chr3-30664725-C-T.
Other names: c.129C>T, p.Ile43= (NM_001024847.3, NM_001407126.1, NM_001407137.1 and 1 more transcripts); c.81C>T, p.Ile27= (NM_001407128.1); c.-155C>T (NM_001407133.1); c.-165C>T (NM_001407136.1); c.-12+16640C>T (NM_001407129.1, NM_001407132.1); c.-114-9511C>T (NM_001407135.1); c.-67-11507C>T (NM_001407134.1); c.94+16256C>T (NM_001407127.1, NM_001407130.1, NM_001407138.1).
Identifiers: ClinVar variation 627738 (VCV000627738.44), dbSNP rs143701368, ClinGen allele CA050372.

ClinVar aggregate classification (germline): Likely benign. Review status: criteria provided, multiple submitters, no conflicts (2 of 4 stars). 5 submissions from 5 submitters: Likely benign (5). Last evaluated 2025-02-05.

Conditions:
Diabetic retinopathy. Identifiers: MedGen C0011884, MONDO:0005266.
Familial thoracic aortic aneurysm and aortic dissection (TAAD). Also called: Thoracic aortic aneurysms and dissections. Identifiers: Orphanet 91387, MedGen C4707243, MONDO:0019625.

Allele frequency attached by ClinVar (database versions not stated): gnomAD below 0.00001 and 0.00001; TOPMed 0.00001; gnomAD exomes 0.00005 and 0.00012; ESP Exome Variant Server 0.00008; ExAC 0.00015.

Submissions (5):

Labcorp Genetics (formerly Invitae), Labcorp
Classification: Likely benign for Familial thoracic aortic aneurysm and aortic dissection. Last evaluated: 2025-02-05. Review status: criteria provided, single submitter. Criteria: Invitae Variant Classification Sherloc (09022015). Collection method: clinical testing. Allele origin: germline.

Blueprint Genetics
Classification: Likely benign. Last evaluated: 2024-10-23. Review status: criteria provided, single submitter. Criteria: ACMG Guidelines, 2015. Collection method: clinical testing. Allele origin: germline.

CeGaT Center for Human Genetics Tuebingen
Classification: Likely benign. Last evaluated: 2024-09-01. Review status: criteria provided, single submitter. Criteria: CeGaT Center For Human Genetics Tuebingen Variant Classification Criteria Version 2. Collection method: clinical testing. Allele origin: germline. Affected: yes. Observed: 4 variant alleles.
Comment: TGFBR2: BP4, BP7

Color Diagnostics, LLC DBA Color Health
Classification: Likely benign for Familial thoracic aortic aneurysm and aortic dissection. Last evaluated: 2018-09-28. Review status: criteria provided, single submitter. Criteria: ACMG Guidelines, 2015. Collection method: clinical testing. Allele origin: germline.

Clinical Genomics, Uppaluri K&H Personalized Medicine Clinic
Classification: Likely benign for Diabetic retinopathy. Review status: criteria provided, single submitter. Criteria: K And H Uppaluri Personalized Medicine Clinic Variant Classification And Assertion Criteria Updated V 2. Collection method: research. Allele origin: unknown.
Comment: Potent mutations in TGFBR2 gene encodes the transforming growth factor that have been associated with angiogenesis and diabetic retinopathy. More clinical studies are needed for stronger association. However, more evidence is required to confer the association of this particular variant rs143701368 with diabetic retinopathy.

Literature cited by the submitters: PubMed 30222965 (cited by Clinical Genomics, Uppaluri K&H Personalized Medicine Clinic); PubMed 28162229 (cited by Clinical Genomics, Uppaluri K&H Personalized Medicine Clinic); PubMed 34572573 (cited by Clinical Genomics, Uppaluri K&H Personalized Medicine Clinic).